The following is an entry in ClinVar:

NM_000093.5(COL5A1):c.925G>A (p.Glu309Lys)

Gene: COL5A1 (collagen type V alpha 1 chain; plus strand). Cytogenetic location: 9q34.3.
Variant type: single nucleotide variant.
Coding change: c.925G>A on transcript NM_000093.5 (MANE Select); coding-DNA position 925, G replaced by A.
Protein change: p.Glu309Lys; replaces glutamic acid 309 with lysine.
Molecular consequence: missense variant.
Genome position (GRCh38, 1-based): chr9:134,730,236, G>A. VCF-style: chr9-134730236-G-A. GRCh37 (hg19) VCF-style: chr9-137622082-G-A.
Other names: c.925G>A, p.Glu309Lys (NM_001278074.1); short protein forms E309K.
Identifiers: ClinVar variation 3835317 (VCV003835317.1).
Genomic context (GRCh38, chr9:134,730,236, plus strand): 5'-GACCTGGCACCACTGCCGGCCTCCGCCCTGACTCCAGCTGTCTCTGTCCTTGGCTCCCAG[G>A]AGCTGACCCCGACCCCCACGGAAGCTGCTCCCATGCCTGAAACCAGTGAAGGGGCTGGGA-3'
Protein context (NP_000084.3, residues 299-319): AAKETTEVPE[Glu309Lys]LTPTPTEAAP

ClinVar aggregate classification (germline): Uncertain significance (1 of 4 stars; one submission).

Conditions:
Familial thoracic aortic aneurysm and aortic dissection (TAAD). Also called: Thoracic aortic aneurysms and dissections. Identifiers: Orphanet 91387, MedGen C4707243, MONDO:0019625.

Submission:

Ambry Genetics
Classification: Uncertain significance for Familial thoracic aortic aneurysm and aortic dissection. Last evaluated: 2025-03-05. Review status: criteria provided, single submitter. Criteria: Ambry Variant Classification Scheme 2023. Collection method: clinical testing. Allele origin: germline.
Comment: The p.E309K variant (also known as c.925G>A), located in coding exon 7 of the COL5A1 gene, results from a G to A substitution at nucleotide position 925. This variant impacts the first base pair of coding exon 7. The glutamic acid at codon 309 is replaced by lysine, an amino acid with similar properties. This amino acid position is well conserved in available vertebrate species. In addition, the in silico prediction for this alteration is inconclusive. Based on the available evidence, the clinical significance of this variant remains unclear.